The following is an entry in ClinVar:

ClinVar aggregate classification (germline): Likely benign. Review status: criteria provided, multiple submitters, no conflicts (2 of 4 stars). 2 submissions from 2 submitters: Likely benign (2). Last evaluated 2026-01-26.

Conditions:
TALDO1-related disorder. Also called: TALDO1-related condition.

Allele frequency attached by ClinVar (database versions not stated): gnomAD 0.00002; TOPMed 0.00002; ExAC 0.00005; gnomAD exomes 0.00007; ESP Exome Variant Server 0.00008.
gnomAD v4.1: 97 of 1,612,630 alleles (0.006%); highest among the groups gnomAD compares: Middle Eastern, 0.016%; no homozygotes.

Submissions (2):

Labcorp Genetics (formerly Invitae), Labcorp
Classification: Likely benign. Last evaluated: 2026-01-26. Review status: criteria provided, single submitter. Criteria: Invitae Variant Classification Sherloc (09022015). Collection method: clinical testing. Allele origin: germline.

PreventionGenetics, part of Exact Sciences
Classification: Likely benign for TALDO1-related condition. Last evaluated: 2025-07-31. Review status: criteria provided, single submitter. Criteria: ACMG Guidelines, 2015. Collection method: clinical testing. Allele origin: germline.
Comment: This variant is classified as likely benign based on ACMG/AMP sequence variant interpretation guidelines (Richards et al. 2015 PMID: 25741868, with internal and published modifications).

NM_006755.2(TALDO1):c.300G>A (p.Pro100=)

Gene: TALDO1 (transaldolase 1; plus strand). Cytogenetic location: 11p15.5.
Variant type: single nucleotide variant.
Coding change: c.300G>A on transcript NM_006755.2 (MANE Select); coding-DNA position 300, G replaced by A.
Protein change: p.Pro100=; no amino-acid change (proline 100 retained).
Molecular consequence: synonymous variant.
Genome position (GRCh38, 1-based): chr11:759,028, G>A. VCF-style: chr11-759028-G-A. GRCh37 (hg19) VCF-style: chr11-759028-G-A.
Other names: c.300G>A (NM_006755.1).
Identifiers: ClinVar variation 2414095 (VCV002414095.8), dbSNP rs369934964, ClinGen allele CA5788080.